The following is an entry in ClinVar:

ClinVar aggregate classification (germline): Uncertain significance. Review status: criteria provided, multiple submitters, no conflicts (2 of 4 stars). 2 submissions from 2 submitters: Uncertain significance (2). Last evaluated 2024-05-01.

Conditions:
Inborn genetic diseases. Identifiers: MedGen C0950123, MeSH D030342.

Allele frequency attached by ClinVar (database versions not stated): gnomAD 0.00001; TOPMed 0.00001; gnomAD exomes 0.00003.
gnomAD v4.1: 37 of 1,613,964 alleles (0.0023%); highest among the groups gnomAD compares: Non-Finnish European, 0.0031%; no homozygotes.

Submissions (2):

CeGaT Center for Human Genetics Tuebingen
Classification: Uncertain significance. Last evaluated: 2024-05-01. Review status: criteria provided, single submitter. Criteria: CeGaT Center For Human Genetics Tuebingen Variant Classification Criteria Version 2. Collection method: clinical testing. Allele origin: germline. Affected: yes. Observed: 2 variant alleles.
Comment: FSHR: PM2, PP4

Ambry Genetics
Classification: Uncertain significance for Inborn genetic diseases. Last evaluated: 2022-09-14. Review status: criteria provided, single submitter. Criteria: Ambry Variant Classification Scheme 2023. Collection method: clinical testing. Allele origin: germline.

NM_000145.4(FSHR):c.1073A>T (p.Asp358Val)

Gene: FSHR (follicle stimulating hormone receptor; minus strand). Cytogenetic location: 2p16.3.
Variant type: single nucleotide variant.
Coding change: c.1073A>T on transcript NM_000145.4 (MANE Select); coding-DNA position 1073, A replaced by T.
Protein change: p.Asp358Val; replaces aspartic acid 358 with valine.
Molecular consequence: missense variant.
Genome position (GRCh38, 1-based): chr2:48,963,748, T>A on the plus strand (A>T on the coding strand, the complement: FSHR is on the minus strand). VCF-style: chr2-48963748-T-A. GRCh37 (hg19) VCF-style: chr2-49190887-T-A.
Other names: c.995A>T, p.Asp332Val (NM_181446.3); short protein forms D332V, D358V.
Identifiers: ClinVar variation 2311847 (VCV002311847.29), dbSNP rs1385207514, ClinGen allele CA346768428.